The following is an entry in ClinVar:

ClinVar aggregate classification (germline): Likely benign (1 of 4 stars; one submission).

Conditions:
Corpus callosum agenesis-abnormal genitalia syndrome. Also called: PROUD SYNDROME; ACC WITH ABNORMAL GENITALIA. Identifiers: Orphanet 2508, MedGen C0796124, MONDO:0010224, OMIM 300004.

Submission:

Centre for Medical Genetics,  Mumbai
Classification: Likely benign for Corpus callosum agenesis-abnormal genitalia syndrome. Last evaluated: 2026-04-20. Review status: criteria provided, single submitter. Criteria: ACMG Guidelines, 2015. Collection method: provider interpretation. Allele origin: germline. Inheritance: X-linked recessive inheritance. Affected: no. Observed: 1 variant allele, 1 homozygote.
Comment: The variant satisfies PM2 criteria - extremely low frequency in gnomAD population databases. However, the variant satisfies BS2 criteria - present in homozygous state in an individual that clinically does not have proud syndrome.

Literature cited by the submitters: PubMed 14722918.

NM_139058.3(ARX):c.208A>G (p.Ser70Gly)

Gene: ARX (aristaless related homeobox; minus strand). Cytogenetic location: Xp21.3.
Variant type: single nucleotide variant.
Coding change: c.208A>G on transcript NM_139058.3 (MANE Select); coding-DNA position 208, A replaced by G.
Protein change: p.Ser70Gly; replaces serine 70 with glycine.
Molecular consequence: missense variant.
Genome position (GRCh38, 1-based): chrX:25,013,787, T>C on the plus strand (A>G on the coding strand, the complement: ARX is on the minus strand). VCF-style: chrX-25013787-T-C. GRCh37 (hg19) VCF-style: chrX-25031904-T-C.
Other names: short protein forms S70G.
Identifiers: ClinVar variation 4851561 (VCV004851561.1).